The following is an entry in ClinVar:

NC_000009.11:g.(?_100190748)_(103062956_?)del

Genes: NCBP1 (nuclear cap binding protein subunit 1; plus strand), NANS (N-acetylneuraminate synthase; plus strand), ALG2 (ALG2 alpha-1,3/1,6-mannosyltransferase; minus strand), ANKS6 (ankyrin repeat and sterile alpha motif domain containing 6; minus strand), ANP32B (acidic nuclear phosphoprotein 32 family member B; plus strand) and 19 more. Cytogenetic location: 9q22.33-31.1.
Variant type: Deletion.
Identifiers: ClinVar variation 1459792 (VCV001459792.4).

ClinVar aggregate classification (germline): Pathogenic (1 of 4 stars; one submission).

Conditions:
Nephronophthisis. Also called: Juvenile Nephronophthisis. Identifiers: Orphanet 655, MedGen C0687120, MONDO:0019005, HP:0000090.

Submission:

Labcorp Genetics (formerly Invitae), Labcorp
Classification: Pathogenic for Nephronophthisis. Last evaluated: 2021-08-19. Review status: criteria provided, single submitter. Criteria: Invitae Variant Classification Sherloc (09022015). Collection method: clinical testing. Allele origin: germline.
Comment: A gross deletion of the genomic region encompassing the full coding sequence of the INVS gene has been identified. Loss-of-function variants in INVS are known to be pathogenic (PMID: 12872123). The boundaries of this event are unknown as they extend beyond the assayed region for this gene and therefore may encompass additional genes. This variant has not been reported in the literature in individuals affected with INVS-related conditions. For these reasons, this variant has been classified as Pathogenic.

Literature cited by the submitters: PubMed 12872123.